The following is an entry in ClinVar:

NM_032620.4(GTPBP3):c.263G>C (p.Gly88Ala)

Gene: GTPBP3 (GTP binding protein 3, mitochondrial; plus strand). Cytogenetic location: 19p13.11.
Variant type: single nucleotide variant.
Coding change: c.263G>C on transcript NM_032620.4 (MANE Select); coding-DNA position 263, G replaced by C.
Protein change: p.Gly88Ala; replaces glycine 88 with alanine.
Molecular consequence: missense variant.
Genome position (GRCh38, 1-based): chr19:17,338,217, G>C. VCF-style: chr19-17338217-G-C. GRCh37 (hg19) VCF-style: chr19-17449026-G-C.
Other names: c.263G>C, p.Gly88Ala (NM_001128855.3, NM_133644.4); c.329G>C, p.Gly110Ala (NM_001195422.1); short protein forms G110A, G88A.
Identifiers: ClinVar variation 2081018 (VCV002081018.4), dbSNP rs754158120, ClinGen allele CA9293274.
Genomic context (GRCh38, chr19:17,338,217, plus strand): 5'-CCCGAGACCTGCCCCTTGCTCGCCACGCCAGCCTGCGCCTGCTCAGCGATCCCCGCTCCG[G>C]GGAGCCTCTGGACCGCGCACTGGTGCTCTGGTTCCCAGGTGAGGGTCCCCAGGTTCCGAG-3'
Protein context (NP_116009.2, residues 78-98): SLRLLSDPRS[Gly88Ala]EPLDRALVLW

ClinVar aggregate classification (germline): Uncertain significance (1 of 4 stars; one submission).

Allele frequency attached by ClinVar (database versions not stated): ExAC 0.00006.
gnomAD v4.1: 14 of 1,582,600 alleles (0.00088%); highest among the groups gnomAD compares: Middle Eastern, 0.066%; no homozygotes.

Submission:

Labcorp Genetics (formerly Invitae), Labcorp
Classification: Uncertain significance. Last evaluated: 2022-02-08. Review status: criteria provided, single submitter. Criteria: Invitae Variant Classification Sherloc (09022015). Collection method: clinical testing. Allele origin: germline.
Comment: Algorithms developed to predict the effect of missense changes on protein structure and function (SIFT, PolyPhen-2, Align-GVGD) all suggest that this variant is likely to be tolerated. This variant has not been reported in the literature in individuals affected with GTPBP3-related conditions. This variant is present in population databases (rs754158120, gnomAD 0.007%). This sequence change replaces glycine, which is neutral and non-polar, with alanine, which is neutral and non-polar, at codon 88 of the GTPBP3 protein (p.Gly88Ala). In summary, the available evidence is currently insufficient to determine the role of this variant in disease. Therefore, it has been classified as a Variant of Uncertain Significance.